The following is an entry in ClinVar:

ClinVar aggregate classification (germline): Uncertain significance. Review status: criteria provided, multiple submitters, no conflicts (2 of 4 stars). 8 submissions from 4 submitters: Uncertain significance (8). Last evaluated 2023-04-10.

Conditions:
Tibial muscular dystrophy (TMD). Also called: Udd Distal Myopathy – Tibial Muscular Dystrophy; UDD MYOPATHY; Tibial muscular dystrophy, tardive. Identifiers: Orphanet 609, MedGen C1838244, MONDO:0010870, OMIM 600334.
Dilated cardiomyopathy 1G (CMD1G). Identifiers: Orphanet 154, MedGen C1858763, MONDO:0011400, OMIM 604145.
Autosomal recessive limb-girdle muscular dystrophy type 2J (LGMDR10). Also called: MUSCULAR DYSTROPHY, LIMB-GIRDLE, AUTOSOMAL RECESSIVE 10; Limb-girdle muscular dystrophy, type 2J. Identifiers: Orphanet 140922, MedGen C1837342, MONDO:0012127, OMIM 608807.
Cardiovascular phenotype. Identifiers: MedGen CN230736.
Myopathy, myofibrillar, 9, with early respiratory failure (MFM9). Also called: Myopathy, distal, with early respiratory failure, autosomal dominant; Hereditary myopathy with early respiratory failure; EDSTROM MYOPATHY; MYOPATHY, PROXIMAL, WITH EARLY RESPIRATORY MUSCLE INVOLVEMENT. Identifiers: Orphanet 178464, Orphanet 34521, MedGen C1863599, MONDO:0011362, OMIM 603689.
Early-onset myopathy with fatal cardiomyopathy (CMYO5). Also called: CONGENITAL MYOPATHY 5 WITH CARDIOMYOPATHY; Salih Myopathy. Identifiers: Orphanet 289377, MedGen C2673677, MONDO:0012714, OMIM 611705. Disease mechanism: loss of function.

Allele frequency attached by ClinVar (database versions not stated): gnomAD exomes below 0.00001; ExAC 0.00001.
gnomAD v4.1: 31 of 1,613,358 alleles (0.0019%); highest among the groups gnomAD compares: East Asian, 0.067%; no homozygotes.

Submissions (8):

Women's Health and Genetics/Laboratory Corporation of America, LabCorp
Classification: Uncertain significance. Last evaluated: 2023-04-10. Review status: criteria provided, single submitter. Criteria: LabCorp Variant Classification Summary - May 2015. Collection method: clinical testing. Allele origin: germline.

Ambry Genetics
Classification: Uncertain significance for Cardiovascular phenotype. Last evaluated: 2019-08-14. Review status: criteria provided, single submitter. Criteria: Ambry Variant Classification Scheme 2023. Collection method: clinical testing. Allele origin: germline.
Comment: The p.V10281A variant (also known as c.30842T>C), located in coding exon 123 of the TTN gene, results from a T to C substitution at nucleotide position 30842. The valine at codon 10281 is replaced by alanine, an amino acid with similar properties. This amino acid position is not well conserved in available vertebrate species. In addition, this alteration is predicted to be tolerated by in silico analysis. Since supporting evidence is limited at this time, the clinical significance of this alteration remains unclear.

Illumina Laboratory Services, Illumina
Classification: Uncertain significance for Dilated cardiomyopathy 1G. Last evaluated: 2018-01-13. Review status: criteria provided, single submitter. Criteria: ICSL Variant Classification Criteria 13 December 2019. Collection method: clinical testing. Allele origin: germline.

Illumina Laboratory Services, Illumina
Classification: Uncertain significance for Early-onset myopathy with fatal cardiomyopathy. Last evaluated: 2018-01-13. Review status: criteria provided, single submitter. Criteria: ICSL Variant Classification Criteria 13 December 2019. Collection method: clinical testing. Allele origin: germline.

Illumina Laboratory Services, Illumina
Classification: Uncertain significance for Autosomal recessive limb-girdle muscular dystrophy type 2J. Last evaluated: 2018-01-13. Review status: criteria provided, single submitter. Criteria: ICSL Variant Classification Criteria 13 December 2019. Collection method: clinical testing. Allele origin: germline.

Illumina Laboratory Services, Illumina
Classification: Uncertain significance for Myopathy, myofibrillar, 9, with early respiratory failure. Last evaluated: 2018-01-13. Review status: criteria provided, single submitter. Criteria: ICSL Variant Classification Criteria 13 December 2019. Collection method: clinical testing. Allele origin: germline.

Illumina Laboratory Services, Illumina
Classification: Uncertain significance for Tibial muscular dystrophy. Last evaluated: 2018-01-13. Review status: criteria provided, single submitter. Criteria: ICSL Variant Classification Criteria 13 December 2019. Collection method: clinical testing. Allele origin: germline.

Labcorp Genetics (formerly Invitae), Labcorp
Classification: Uncertain significance for Dilated cardiomyopathy 1G; Autosomal recessive limb-girdle muscular dystrophy type 2J. Last evaluated: 2017-06-09. Review status: criteria provided, single submitter. Criteria: Invitae Variant Classification Sherloc (09022015). Collection method: clinical testing. Allele origin: germline.

NM_001267550.2(TTN):c.58037T>C (p.Val19346Ala)

Genes: TTN (titin; minus strand), TTN-AS1 (TTN antisense RNA 1; plus strand). Cytogenetic location: 2q31.2.
Variant type: single nucleotide variant.
Coding change: c.58037T>C on transcript NM_001267550.2 (MANE Select); coding-DNA position 58037, T replaced by C.
Protein change: p.Val19346Ala; replaces valine 19346 with alanine.
Molecular consequence: missense variant.
Genome position (GRCh38, 1-based): chr2:178,594,457, A>G on the plus strand (T>C on the coding strand, the complement: TTN is on the minus strand). VCF-style: chr2-178594457-A-G. GRCh37 (hg19) VCF-style: chr2-179459184-A-G.
Other names: c.53114T>C, p.Val17705Ala (NM_001256850.1); c.30842T>C, p.Val10281Ala (NM_003319.4); c.50333T>C, p.Val16778Ala (NM_133378.4); c.31217T>C, p.Val10406Ala (NM_133432.3); c.31418T>C, p.Val10473Ala (NM_133437.4); short protein forms V19346A, V16778A, V10281A, V17705A, V10406A, V10473A.
Identifiers: ClinVar variation 332827 (VCV000332827.10), dbSNP rs754793079, ClinGen allele CA1992940.
Genomic context (GRCh38, chr2:178,594,457, plus strand): 5'-CCAACAATGTTGACAGCACTGACACGGTACTCATAGGTATCACCTTCTTTTAAGCCTTTA[A>G]CAGTGTATTTTCTGCTAAGCAAGTTGTCATTTGTAACTTTGTGGAACTTCTCAGTCCCAA-3'
Protein context (NP_001254479.2, residues 19336-19356): NDNLLSRKYT[Val19346Ala]KGLKEGDTYE